The following is an entry in ClinVar:

NM_004700.4(KCNQ4):c.297C>G (p.Phe99Leu)

Gene: KCNQ4 (potassium voltage-gated channel subfamily Q member 4; plus strand). Cytogenetic location: 1p34.2.
Variant type: single nucleotide variant.
Coding change: c.297C>G on transcript NM_004700.4 (MANE Select); coding-DNA position 297, C replaced by G.
Protein change: p.Phe99Leu; replaces phenylalanine 99 with leucine.
Molecular consequence: missense variant.
Genome position (GRCh38, 1-based): chr1:40,784,390, C>G. VCF-style: chr1-40784390-C-G. GRCh37 (hg19) VCF-style: chr1-41250062-C-G.
Other names: c.297C>G, p.Phe99Leu (NM_172163.3); c.297C>G (NM_004700.3); short protein forms F99L.
Identifiers: ClinVar variation 4754621 (VCV004754621.2).

ClinVar aggregate classification (germline): Uncertain significance. Review status: criteria provided, multiple submitters, no conflicts (2 of 4 stars). 2 submissions from 2 submitters: Uncertain significance (2). Last evaluated 2026-02-25.

gnomAD v4.1: 9 of 1,609,318 alleles (0.00056%); highest among the groups gnomAD compares: Non-Finnish European, 0.00017%; no homozygotes.

Submissions (2):

GeneDx
Classification: Uncertain significance. Last evaluated: 2026-02-25. Review status: criteria provided, single submitter. Criteria: GeneDx Variant Classification Process June 2021. Collection method: clinical testing. Allele origin: germline.
Comment: In silico analysis supports that this missense variant has a deleterious effect on protein structure/function; Has not been previously published as pathogenic or benign to our knowledge

Labcorp Genetics (formerly Invitae), Labcorp
Classification: Uncertain significance. Last evaluated: 2025-07-24. Review status: criteria provided, single submitter. Criteria: Invitae Variant Classification Sherloc (09022015). Collection method: clinical testing. Allele origin: germline.
Comment: This sequence change replaces phenylalanine, which is neutral and non-polar, with leucine, which is neutral and non-polar, at codon 99 of the KCNQ4 protein (p.Phe99Leu). This variant is present in population databases (no rsID available, gnomAD 0.01%). This variant has not been reported in the literature in individuals affected with KCNQ4-related conditions. Invitae Evidence Modeling of protein sequence and biophysical properties (such as structural, functional, and spatial information, amino acid conservation, physicochemical variation, residue mobility, and thermodynamic stability) indicates that this missense variant is not expected to disrupt KCNQ4 protein function with a negative predictive value of 95%. In summary, the available evidence is currently insufficient to determine the role of this variant in disease. Therefore, it has been classified as a Variant of Uncertain Significance.